The following is an entry in ClinVar:

ClinVar aggregate classification (germline): Uncertain significance (1 of 4 stars; one submission).

gnomAD v4.1: 1 of 1,562,012 alleles (0.000064%); highest among the groups gnomAD compares: Non-Finnish European, 0.000086%; no homozygotes.

Submission:

Labcorp Genetics (formerly Invitae), Labcorp
Classification: Uncertain significance. Last evaluated: 2025-03-04. Review status: criteria provided, single submitter. Criteria: Invitae Variant Classification Sherloc (09022015). Collection method: clinical testing. Allele origin: germline.
Comment: This sequence change replaces methionine, which is neutral and non-polar, with isoleucine, which is neutral and non-polar, at codon 85 of the PIGU protein (p.Met85Ile). This variant also falls at the last nucleotide of exon 3, which is part of the consensus splice site for this exon. This variant is not present in population databases (gnomAD no frequency). This variant has not been reported in the literature in individuals affected with PIGU-related conditions. An algorithm developed to predict the effect of missense changes on protein structure and function (PolyPhen-2) suggests that this variant is likely to be tolerated. Variants that disrupt the consensus splice site are a relatively common cause of aberrant splicing (PMID: 17576681, 9536098). Algorithms developed to predict the effect of sequence changes on RNA splicing suggest that this variant may disrupt the consensus splice site. In summary, the available evidence is currently insufficient to determine the role of this variant in disease. Therefore, it has been classified as a Variant of Uncertain Significance.

Literature cited by the submitters: PubMed 17576681; PubMed 9536098.

NM_080476.5(PIGU):c.255G>A (p.Met85Ile)

Gene: PIGU (phosphatidylinositol glycan anchor biosynthesis class U; minus strand). Cytogenetic location: 20q11.22.
Variant type: single nucleotide variant.
Coding change: c.255G>A on transcript NM_080476.5 (MANE Select); coding-DNA position 255, G replaced by A.
Protein change: p.Met85Ile; replaces methionine 85 with isoleucine.
Molecular consequence: missense variant.
Genome position (GRCh38, 1-based): chr20:34,645,275, C>T on the plus strand (G>A on the coding strand, the complement: PIGU is on the minus strand). VCF-style: chr20-34645275-C-T. GRCh37 (hg19) VCF-style: chr20-33233079-C-T.
Other names: short protein forms M85I.
Identifiers: ClinVar variation 3728567 (VCV003728567.2).